The following is an entry in ClinVar:

ClinVar aggregate classification (germline): Conflicting classifications of pathogenicity. Review status: criteria provided, conflicting classifications (1 of 4 stars). 6 submissions from 6 submitters: Uncertain significance (2); Likely benign (2). 2 of the submissions do not count toward it. Last evaluated 2025-06-30.

Conditions:
SYN1-related disorder. Also called: SYN1-related condition; SYN1-Related Disorders.
Inborn genetic diseases. Identifiers: MedGen C0950123, MeSH D030342.

Allele frequency attached by ClinVar (database versions not stated): gnomAD 0.00001 and 0.00002; TOPMed 0.00001; ExAC 0.00002; gnomAD exomes 0.00002 and 0.00004; 1000 Genomes Project 30x 0.00042.
gnomAD v4.1: 48 of 1,197,099 alleles (0.004%); highest among the groups gnomAD compares: Middle Eastern, 0.064%; no homozygotes.

Submissions (6):

Ambry Genetics
Classification: Uncertain significance for Inborn genetic diseases. Last evaluated: 2025-06-30. Review status: criteria provided, single submitter. Criteria: Ambry Variant Classification Scheme 2023. Collection method: clinical testing. Allele origin: germline.

PreventionGenetics, part of Exact Sciences
Classification: Likely benign for SYN1-related condition. Last evaluated: 2025-04-27. Review status: criteria provided, single submitter. Criteria: ACMG Guidelines, 2015. Collection method: clinical testing. Allele origin: germline.
Comment: This variant is classified as likely benign based on ACMG/AMP sequence variant interpretation guidelines (Richards et al. 2015 PMID: 25741868, with internal and published modifications).

CeGaT Center for Human Genetics Tuebingen
Classification: Likely benign. Last evaluated: 2023-03-01. Review status: criteria provided, single submitter. Criteria: CeGaT Center For Human Genetics Tuebingen Variant Classification Criteria Version 2. Collection method: clinical testing. Allele origin: germline. Affected: yes. Observed: 1 variant allele.
Comment: SYN1: BS2

GeneDx
Classification: Uncertain significance. Last evaluated: 2013-01-17. Review status: criteria provided, single submitter. Criteria: GeneDx Variant Classification (06012015). Collection method: clinical testing. Allele origin: germline. Affected: yes.
Comment: p.Pro122Ser (CCG>TCG): c.364 C>T in exon 1 of the SYN1 gene (NM_133499.2) The Pro122Ser missense change has not been published as a mutation, nor has it been reported as a benign polymorphism to our knowledge. The NHLBI ESP Exome Variant Project has not identified Pro122Ser in approximately 6,500 individuals of European or African American ethnicity, indicating that it is not a common benign variant in these populations. The amino acid substitution is non-conservative, as a non-polar Proline residue is replaced by a polar Serine residue, and the loss of a bulky Proline may alter the secondary structure of the protein. However, it alters a poorly conserved position in the actin-binding a synaptic-vesicle binding domain of the protein, and missense mutations have not been previously reported in this region of the protein in association with epilepsy. Several in silico algorithms predict Pro133Ser may be benign. Therefore, based on the currently available information, it is unclear whether Pro122Ser is a disease-causing mutation or a rare benign variant. The variant is found in EPILEPSY panel(s).

Clinical Genetics DNA and cytogenetics Diagnostics Lab, Erasmus MC, Erasmus Medical Center
Classification: Likely benign. Review status: no assertion criteria provided. Collection method: clinical testing. Allele origin: germline. Affected: yes. Study: VKGL Data-share Consensus. Not counted in ClinVar's aggregate classification.

Laboratory of Diagnostic Genome Analysis, Leiden University Medical Center (LUMC)
Classification: Likely benign. Review status: no assertion criteria provided. Collection method: clinical testing. Allele origin: germline. Affected: yes. Study: VKGL Data-share Consensus. Not counted in ClinVar's aggregate classification.

NM_006950.3(SYN1):c.364C>T (p.Pro122Ser)

Gene: SYN1 (synapsin I; minus strand). Cytogenetic location: Xp11.23.
Variant type: single nucleotide variant.
Coding change: c.364C>T on transcript NM_006950.3 (MANE Select); coding-DNA position 364, C replaced by T.
Protein change: p.Pro122Ser; replaces proline 122 with serine.
Molecular consequence: missense variant.
Genome position (GRCh38, 1-based): chrX:47,619,365, G>A on the plus strand (C>T on the coding strand, the complement: SYN1 is on the minus strand). VCF-style: chrX-47619365-G-A. GRCh37 (hg19) VCF-style: chrX-47478764-G-A.
Other names: p.P122S:CCG>TCG; c.364C>T, p.Pro122Ser (NM_133499.2); short protein forms P122S.
Identifiers: ClinVar variation 207478 (VCV000207478.30), dbSNP rs774818779, ClinGen allele CA318973.